The following is an entry in ClinVar:

ClinVar aggregate classification (germline): Benign. Review status: criteria provided, multiple submitters, no conflicts (2 of 4 stars). 3 submissions from 3 submitters: Benign (3). Last evaluated 2018-12-24.

Conditions:
Torsion dystonia 6 (DYT6). Also called: DYT-THAP1. Identifiers: Orphanet 98806, MedGen C1414216, MONDO:0011264, OMIM 602629.

Allele frequency attached by ClinVar (database versions not stated): gnomAD exomes 0.00125; gnomAD 0.01445 and 0.01553; TOPMed 0.01529; 1000 Genomes Project 0.01697; 1000 Genomes Project 30x 0.01780.
gnomAD v4.1: 2,227 of 191,242 alleles (1.2%); highest among the groups gnomAD compares: African/African-American, 5%; 53 homozygotes.

Submissions (3):

GeneDx
Classification: Benign. Last evaluated: 2018-12-24. Review status: criteria provided, single submitter. Criteria: GeneDx Variant Classification Process June 2021. Collection method: clinical testing. Allele origin: germline. Affected: yes.

Illumina Laboratory Services, Illumina
Classification: Benign for Torsion dystonia 6. Last evaluated: 2018-01-12. Review status: criteria provided, single submitter. Criteria: ICSL Variant Classification Criteria 13 December 2019. Collection method: clinical testing. Allele origin: germline.
Comment: This variant was observed in the ICSL laboratory as part of a predisposition screen in an ostensibly healthy population. It had not been previously curated by ICSL or reported in the Human Gene Mutation Database (HGMD: prior to June 1st, 2018), and was therefore a candidate for classification through an automated scoring system. Utilizing variant allele frequency, disease prevalence and penetrance estimates, and inheritance mode, an automated score was calculated to assess if this variant is too frequent to cause the disease. Based on the score and internal cut-off values, a variant classified as benign is not then subjected to further curation. The score for this variant resulted in a classification of benign for this disease.

Breakthrough Genomics
Classification: Benign. Review status: criteria provided, single submitter. Criteria: ACMG Guidelines, 2015. Collection method: not provided. Allele origin: germline. Inheritance: Autosomal dominant inheritance. Affected: yes.

NM_018105.3(THAP1):c.*297A>G

Gene: THAP1 (THAP domain containing 1; minus strand). Cytogenetic location: 8p11.21.
Variant type: single nucleotide variant.
Coding change: c.*297A>G on transcript NM_018105.3 (MANE Select); 297 bases downstream of the stop codon, A replaced by G.
Molecular consequence: 3 prime UTR variant.
Genome position (GRCh38, 1-based): chr8:42,837,665, T>C on the plus strand (A>G on the coding strand, the complement: THAP1 is on the minus strand). VCF-style: chr8-42837665-T-C. GRCh37 (hg19) VCF-style: chr8-42692808-T-C.
Other names: c.*581A>G (NM_199003.2).
Identifiers: ClinVar variation 363117 (VCV000363117.8), dbSNP rs73634656, ClinGen allele CA10625499.